The following is an entry in ClinVar:

NM_000127.3(EXT1):c.772_773dup (p.Arg260fs)

Gene: EXT1 (exostosin glycosyltransferase 1; minus strand). Cytogenetic location: 8q24.11.
Variant type: Duplication.
Coding change: c.772_773dup on transcript NM_000127.3 (MANE Select); coding-DNA positions 772 to 773, 2 bases duplicated (CC; older notation c.772_773dupCC).
Protein change: p.Arg260fs; shifts the reading frame from arginine 260.
Molecular consequence: frameshift variant.
Genome position (GRCh38, 1-based): chr8:118,110,274-118,110,275, GG duplicated on the plus strand (CC on the coding strand, the reverse complement: EXT1 is on the minus strand). VCF-style (leftmost placement, unchanged base first): chr8-118110273-A-AGG. GRCh37 (hg19) VCF-style: chr8-119122512-A-AGG.
Other names: short protein forms R260fs.
Identifiers: ClinVar variation 939117 (VCV000939117.7), dbSNP rs1817871338, ClinGen allele CA1139660742.

ClinVar aggregate classification (germline): Pathogenic (1 of 4 stars; one submission).

Conditions:
Multiple congenital exostosis (EXT). Also called: Multiple exostoses; Hereditary multiple exostoses; Hereditary multiple exostosis; Hereditary multiple osteochondromas; MULTIPLE CARTILAGINOUS EXOSTOSES; Multiple osteochondromas. Identifiers: Orphanet 321, MedGen C0015306, MONDO:0005508, HP:0002762.

Submission:

Labcorp Genetics (formerly Invitae), Labcorp
Classification: Pathogenic for Multiple congenital exostosis. Last evaluated: 2019-09-03. Review status: criteria provided, single submitter. Criteria: Invitae Variant Classification Sherloc (09022015). Collection method: clinical testing. Allele origin: germline.
Comment: For these reasons, this variant has been classified as Pathogenic. Loss-of-function variants in EXT1 are known to be pathogenic (PMID: 10679937, 11391482, 19810120). This variant has not been reported in the literature in individuals with EXT1-related conditions. This variant is not present in population databases (ExAC no frequency). This sequence change creates a premature translational stop signal (p.Arg260Serfs*14) in the EXT1 gene. It is expected to result in an absent or disrupted protein product.

Literature cited by the submitters: PubMed 10679937; PubMed 11391482; PubMed 19810120.